The following is an entry in ClinVar:

NM_000465.4(BARD1):c.1723A>C (p.Ser575Arg)

Gene: BARD1 (BRCA1 associated RING domain 1; minus strand). Cytogenetic location: 2q35.
Variant type: single nucleotide variant.
Coding change: c.1723A>C on transcript NM_000465.4 (MANE Select); coding-DNA position 1723, A replaced by C.
Protein change: p.Ser575Arg; replaces serine 575 with arginine.
Molecular consequence: missense variant. On other transcripts: non-coding transcript variant (3), intron variant (1).
Genome position (GRCh38, 1-based): chr2:214,745,809, T>G on the plus strand (A>C on the coding strand, the complement: BARD1 is on the minus strand). VCF-style: chr2-214745809-T-G. GRCh37 (hg19) VCF-style: chr2-215610533-T-G.
Other names: c.1666A>C, p.Ser556Arg (NM_001282543.2); c.370A>C, p.Ser124Arg (NM_001282545.2); c.313A>C, p.Ser105Arg (NM_001282548.2); c.365-15301A>C (NM_001282549.2); short protein forms S105R, S556R, S124R, S575R.
Identifiers: ClinVar variation 5032785 (VCV005032785.1).

ClinVar aggregate classification (germline): Uncertain significance (1 of 4 stars; one submission).

Conditions:
Hereditary cancer-predisposing syndrome. Also called: Neoplastic Syndromes, Hereditary; Tumor predisposition; Hereditary neoplastic syndrome; Hereditary Cancer Syndrome. Identifiers: Orphanet 140162, MedGen C0027672, MeSH D009386, MONDO:0015356.

Submission:

Ambry Genetics
Classification: Uncertain significance for Hereditary cancer-predisposing syndrome. Last evaluated: 2026-07-06. Review status: criteria provided, single submitter. Criteria: Ambry Variant Classification Scheme 2023. Collection method: clinical testing. Allele origin: germline.
Comment: The p.S575R variant (also known as c.1723A>C), located in coding exon 8 of the BARD1 gene, results from an A to C substitution at nucleotide position 1723. The serine at codon 575 is replaced by arginine, an amino acid with dissimilar properties. This amino acid position is conserved. In addition, this alteration is predicted to be deleterious by in silico analysis. Based on the available evidence, the clinical significance of this variant remains unclear.